The following is an entry in ClinVar:

NM_004333.6(BRAF):c.1264C>A (p.Pro422Thr)

Gene: BRAF (B-Raf proto-oncogene, serine/threonine kinase; minus strand). Cytogenetic location: 7q34.
Variant type: single nucleotide variant.
Coding change: c.1264C>A on transcript NM_004333.6 (MANE Select); coding-DNA position 1264, C replaced by A.
Protein change: p.Pro422Thr; replaces proline 422 with threonine.
Molecular consequence: missense variant.
Genome position (GRCh38, 1-based): chr7:140,783,071, G>T on the plus strand (C>A on the coding strand, the complement: BRAF is on the minus strand). VCF-style: chr7-140783071-G-T. GRCh37 (hg19) VCF-style: chr7-140482871-G-T.
Other names: c.1264C>A, p.Pro422Thr (NM_001354609.2, NM_001378468.1, NM_001378474.1); c.1384C>A, p.Pro462Thr (NM_001374244.1, NM_001374258.1); c.1273C>A, p.Pro425Thr (NM_001378467.1); c.1198C>A, p.Pro400Thr (NM_001378469.1); c.1162C>A, p.Pro388Thr (NM_001378470.1); c.1153C>A, p.Pro385Thr (NM_001378471.1); c.1108C>A, p.Pro370Thr (NM_001378472.1, NM_001378473.1); c.1000C>A, p.Pro334Thr (NM_001378475.1); short protein forms P334T, P370T, P385T, P388T, P400T, P422T, P425T, P462T.
Identifiers: ClinVar variation 4530169 (VCV004530169.1).

ClinVar aggregate classification (somatic clinical impact): Tier I - Strong (1 of 4 stars; one submission).

Conditions:
Pilomyxoid astrocytoma. Identifiers: Orphanet 251615, MedGen C1519086, MONDO:0016692.

Submission:

Institute for Genomic Medicine (IGM) Clinical Laboratory, Nationwide Children's Hospital
Classification: Tier I - Strong for Pilomyxoid astrocytoma. Assertion type: diagnostic. Clinical significance: supports diagnosis. Last evaluated: 2023-09-26. Review status: criteria provided, single submitter. Criteria: AMP/ASCO/CAP Guidelines, 2017. Collection method: clinical testing. Allele origin: somatic. Affected: yes.
Comment: Variant has Tier I (strong) clinical significance as a diagnostic inclusion criterion in pilomyxoid astrocytoma, based on the following evidence: 1) Appears in one or more well-established professional guidelines (e.g., World Health Organization [WHO]; National Comprehensive Cancer Network [NCCN]) as providing diagnostic, prognostic, or therapeutic information. 2) Diagnostic for a specific tumor type/classification based on well-powered studies with expert-level consensus (Evidence Level B; PMIDs: 23817572, 32289278, 22159586, 34185076).

Literature cited by the submitters: PubMed 23817572; PubMed 32289278; PubMed 22159586; PubMed 34185076.